The following is an entry in ClinVar:

NM_004656.4(BAP1):c.60A>G (p.Glu20=)

Gene: BAP1 (BRCA1 associated deubiquitinase 1; minus strand). Cytogenetic location: 3p21.1.
Variant type: single nucleotide variant.
Coding change: c.60A>G on transcript NM_004656.4 (MANE Select); coding-DNA position 60, A replaced by G.
Protein change: p.Glu20=; no amino-acid change (glutamic acid 20 retained).
Molecular consequence: synonymous variant.
Genome position (GRCh38, 1-based): chr3:52,409,721, T>C on the plus strand (A>G on the coding strand, the complement: BAP1 is on the minus strand). VCF-style: chr3-52409721-T-C. GRCh37 (hg19) VCF-style: chr3-52443737-T-C.
Other names: c.60A>G (NM_004656.2).
Identifiers: ClinVar variation 1002103 (VCV001002103.8), dbSNP rs1705306247, ClinGen allele CA433778618.

ClinVar aggregate classification (germline): Benign/Likely benign. Review status: criteria provided, multiple submitters, no conflicts (2 of 4 stars). 3 submissions from 3 submitters: Benign (1); Likely benign (2). Last evaluated 2024-07-11.

Conditions:
Hereditary cancer-predisposing syndrome. Also called: Neoplastic Syndromes, Hereditary; Tumor predisposition; Hereditary Cancer Syndrome; Hereditary neoplastic syndrome. Identifiers: Orphanet 140162, MedGen C0027672, MeSH D009386, MONDO:0015356.
BAP1-related tumor predisposition syndrome (TPDS1). Also called: COMMON Syndrome; TUMOR PREDISPOSITION SYNDROME 1; BAP1 tumor predisposition syndrome; Tumor susceptibility linked to germline BAP1 mutations. Identifiers: Orphanet 289539, MedGen C3280492, MONDO:0013692, OMIM 614327.

Allele frequency attached by ClinVar (database versions not stated): gnomAD exomes below 0.00001; TOPMed below 0.00001.
gnomAD v4.1: 1 of 1,614,046 alleles (0.000062%); highest among the groups gnomAD compares: Non-Finnish European, 0.000085%; no homozygotes.

Submissions (3):

Myriad Genetics, Inc.
Classification: Benign for BAP1-related tumor predisposition syndrome. Last evaluated: 2024-07-11. Review status: criteria provided, single submitter. Criteria: Myriad Autosomal Dominant, Autosomal Recessive and X-Linked Classification Criteria (2023). Collection method: clinical testing. Allele origin: unknown.
Comment: This variant is considered benign. This variant is a silent/synonymous amino acid change and it is not expected to impact splicing.

Labcorp Genetics (formerly Invitae), Labcorp
Classification: Likely benign for BAP1-related tumor predisposition syndrome. Last evaluated: 2024-02-20. Review status: criteria provided, single submitter. Criteria: Invitae Variant Classification Sherloc (09022015). Collection method: clinical testing. Allele origin: germline.

Ambry Genetics
Classification: Likely benign for Hereditary cancer-predisposing syndrome. Last evaluated: 2023-04-03. Review status: criteria provided, single submitter. Criteria: Ambry Variant Classification Scheme 2023. Collection method: clinical testing. Allele origin: germline.